The following is an entry in ClinVar:

ClinVar aggregate classification (germline): Uncertain significance (1 of 4 stars; one submission).

Conditions:
Spondyloepimetaphyseal dysplasia, PAPSS2 type. Also called: SEMD, PAKISTANI TYPE; BRACHYOLMIA TYPE 4 WITH MILD EPIPHYSEAL AND METAPHYSEAL CHANGES; SPONDYLODYSPLASIA AND PREMATURE PUBARCHE. Identifiers: Orphanet 93282, MedGen C2748516, MONDO:0019666, OMIM 612847.

Allele frequency attached by ClinVar (database versions not stated): gnomAD exomes below 0.00001; TOPMed below 0.00001; gnomAD 0.00002; 1000 Genomes Project 30x 0.00016.
gnomAD v4.1: 7 of 1,508,166 alleles (0.00046%); highest among the groups gnomAD compares: Middle Eastern, 0.017%; no homozygotes.

Submission:

Labcorp Genetics (formerly Invitae), Labcorp
Classification: Uncertain significance for Spondyloepimetaphyseal dysplasia, PAPSS2 type. Last evaluated: 2025-02-10. Review status: criteria provided, single submitter. Criteria: Invitae Variant Classification Sherloc (09022015). Collection method: clinical testing. Allele origin: germline.
Comment: This sequence change falls in intron 8 of the PAPSS2 gene. It does not directly change the encoded amino acid sequence of the PAPSS2 protein. It affects a nucleotide within the consensus splice site. This variant is present in population databases (no rsID available, gnomAD 0.001%). This variant has not been reported in the literature in individuals affected with PAPSS2-related conditions. ClinVar contains an entry for this variant (Variation ID: 2160604). Variants that disrupt the consensus splice site are a relatively common cause of aberrant splicing (PMID: 17576681, 9536098). Algorithms developed to predict the effect of sequence changes on RNA splicing suggest that this variant may disrupt the consensus splice site. In summary, the available evidence is currently insufficient to determine the role of this variant in disease. Therefore, it has been classified as a Variant of Uncertain Significance.

Literature cited by the submitters: PubMed 17576681; PubMed 9536098.

NM_001015880.2(PAPSS2):c.880+3A>G

Gene: PAPSS2 (3'-phosphoadenosine 5'-phosphosulfate synthase 2; plus strand). Cytogenetic location: 10q23.31.
Variant type: single nucleotide variant.
Coding change: c.880+3A>G on transcript NM_001015880.2 (MANE Select); 3 bases into the intron after coding-DNA position 880, A replaced by G.
Molecular consequence: intron variant.
Genome position (GRCh38, 1-based): chr10:87,721,773, A>G. VCF-style: chr10-87721773-A-G. GRCh37 (hg19) VCF-style: chr10-89481530-A-G.
Other names: c.866-5511A>G (NM_004670.4).
Identifiers: ClinVar variation 2160604 (VCV002160604.4), dbSNP rs1395152964, ClinGen allele CA594915923.